The following is an entry in ClinVar:

NM_001287.6(CLCN7):c.1977C>T (p.Asn659=)

Gene: CLCN7 (Cl-/H+ antiporter 7; minus strand). Cytogenetic location: 16p13.3.
Variant type: single nucleotide variant.
Coding change: c.1977C>T on transcript NM_001287.6 (MANE Select); coding-DNA position 1977, C replaced by T.
Protein change: p.Asn659=; no amino-acid change (asparagine 659 retained).
Molecular consequence: synonymous variant.
Genome position (GRCh38, 1-based): chr16:1,448,391, G>A on the plus strand (C>T on the coding strand, the complement: CLCN7 is on the minus strand). VCF-style: chr16-1448391-G-A. GRCh37 (hg19) VCF-style: chr16-1498392-G-A.
Other names: c.1905C>T, p.Asn635= (NM_001114331.3); c.1977C>T (NM_001287.5).
Identifiers: ClinVar variation 1147003 (VCV001147003.11), dbSNP rs182360535, ClinGen allele CA7809966.

ClinVar aggregate classification (germline): Likely benign. Review status: criteria provided, multiple submitters, no conflicts (2 of 4 stars). 3 submissions from 3 submitters: Likely benign (3). Last evaluated 2026-08-25.

Conditions:
CLCN7-related disorder. Also called: CLCN7-related condition.

Allele frequency attached by ClinVar (database versions not stated): gnomAD exomes 0.00006 and 0.00009; ESP Exome Variant Server 0.00008; ExAC 0.00009; TOPMed 0.00013; gnomAD 0.00014 and 0.00016; 1000 Genomes Project 30x 0.00016; 1000 Genomes Project 0.00020.
gnomAD v4.1: 105 of 1,612,758 alleles (0.0065%); highest among the groups gnomAD compares: African/African-American, 0.036%; no homozygotes.

Submissions (3):

PreventionGenetics, part of Exact Sciences
Classification: Likely benign for CLCN7-related condition. Last evaluated: 2026-08-25. Review status: criteria provided, single submitter. Criteria: ACMG Guidelines, 2015. Collection method: clinical testing. Allele origin: germline.
Comment: This variant is classified as likely benign based on ACMG/AMP sequence variant interpretation guidelines (Richards et al. 2015 PMID: 25741868, with internal and published modifications).

Labcorp Genetics (formerly Invitae), Labcorp
Classification: Likely benign. Last evaluated: 2025-12-01. Review status: criteria provided, single submitter. Criteria: Invitae Variant Classification Sherloc (09022015). Collection method: clinical testing. Allele origin: germline.

Blueprint Genetics
Classification: Likely benign. Last evaluated: 2024-10-21. Review status: criteria provided, single submitter. Criteria: ACMG Guidelines, 2015. Collection method: clinical testing. Allele origin: germline.